The following is an entry in ClinVar:

ClinVar aggregate classification (germline): Benign/Likely benign. Review status: criteria provided, multiple submitters, no conflicts (2 of 4 stars). 8 submissions from 8 submitters: Benign (7); Likely benign (1). Last evaluated 2026-02-04.

Conditions:
Autoimmune lymphoproliferative syndrome, type III caused by mutation in PRKCD. Identifiers: Orphanet 3261, Orphanet 664711, MedGen C3809928, MONDO:8000024, OMIM 615559.

Allele frequency attached by ClinVar (database versions not stated): 1000 Genomes Project 30x 0.93785; ESP Exome Variant Server 0.93926; TOPMed 0.93994; 1000 Genomes Project 0.94050; gnomAD 0.94337 and 0.94705; ExAC 0.98348; gnomAD exomes 0.98651 and 0.99483.
gnomAD v4.1: 1,598,200 of 1,614,182 alleles (99%); highest among the groups gnomAD compares: East Asian, 100%; 792,337 homozygotes.

Submissions (8):

Labcorp Genetics (formerly Invitae), Labcorp
Classification: Benign for Autoimmune lymphoproliferative syndrome, type III caused by mutation in PRKCD. Last evaluated: 2026-02-04. Review status: criteria provided, single submitter. Criteria: Invitae Variant Classification Sherloc (09022015). Collection method: clinical testing. Allele origin: germline.

Blueprint Genetics
Classification: Likely benign. Last evaluated: 2024-11-26. Review status: criteria provided, single submitter. Criteria: ACMG Guidelines, 2015. Collection method: clinical testing. Allele origin: germline.

Unidad de Genómica Garrahan, Hospital de Pediatría Garrahan
Classification: Benign. Last evaluated: 2023-11-12. Review status: criteria provided, single submitter. Criteria: ACMG Guidelines, 2015. Collection method: clinical testing. Allele origin: germline. Affected: no. Observed: 96 variant alleles.
Comment: This variant is classified as Benign based on local population frequency. This variant was detected in 100% of patients studied by a panel of primary immunodeficiencies. Number of patients: 96. Only high quality variants are reported.

Genome-Nilou Lab
Classification: Benign for Autoimmune lymphoproliferative syndrome, type III caused by mutation in PRKCD. Last evaluated: 2021-10-25. Review status: criteria provided, single submitter. Criteria: ACMG Guidelines, 2015. Collection method: clinical testing. Allele origin: germline. Affected: no.

GeneDx
Classification: Benign. Last evaluated: 2021-05-04. Review status: criteria provided, single submitter. Criteria: GeneDx Variant Classification Process June 2021. Collection method: clinical testing. Allele origin: germline. Affected: yes.

Mayo Clinic Laboratories, Mayo Clinic
Classification: Benign. Last evaluated: 2016-10-03. Review status: criteria provided, single submitter. Criteria: ACMG Guidelines, 2015. Collection method: clinical testing. Allele origin: germline. Observed: 801 variant alleles.

Laboratory for Molecular Medicine, Mass General Brigham Personalized Medicine
Classification: Benign. Last evaluated: 2016-03-29. Review status: criteria provided, single submitter. Criteria: LMM Criteria. Collection method: clinical testing. Allele origin: germline.
Comment: Variant identified in a genome or exome case(s) and assessed due to predicted null impact of the variant or pathogenic assertions in the literature or databases. Disclaimer: This variant has not undergone full assessment. The following are preliminary notes: Frequency

Breakthrough Genomics
Classification: Benign. Review status: criteria provided, single submitter. Criteria: ACMG Guidelines, 2015. Collection method: not provided. Allele origin: germline. Inheritance: Autosomal recessive inheritance. Affected: yes.

NM_006254.4(PRKCD):c.1857T>C (p.Pro619=)

Gene: PRKCD (protein kinase C delta; plus strand). Cytogenetic location: 3p21.1.
Variant type: single nucleotide variant.
Coding change: c.1857T>C on transcript NM_006254.4 (MANE Select); coding-DNA position 1857, T replaced by C.
Protein change: p.Pro619=; no amino-acid change (proline 619 retained).
Molecular consequence: synonymous variant.
Genome position (GRCh38, 1-based): chr3:53,189,986, T>C. VCF-style: chr3-53189986-T-C. GRCh37 (hg19) VCF-style: chr3-53224002-T-C.
Other names: p.Pro619=; c.1857T>C, p.Pro619= (NM_001316327.2, NM_001354679.2, NM_001354680.2 and 1 more transcripts); c.1914T>C, p.Pro638= (NM_001354676.2); c.1905T>C, p.Pro635= (NM_001354678.2).
Identifiers: ClinVar variation 403348 (VCV000403348.22), dbSNP rs900495, ClinGen allele CA2452302.